The following is an entry in ClinVar:

NM_005068.3(SIM1):c.1250C>T (p.Pro417Leu)

Genes: SIM1 (SIM bHLH transcription factor 1; minus strand), SIM1-AS1 (SIM1 antisense RNA 1; plus strand). Cytogenetic location: 6q16.3.
Variant type: single nucleotide variant.
Coding change: c.1250C>T on transcript NM_005068.3 (MANE Select); coding-DNA position 1250, C replaced by T.
Protein change: p.Pro417Leu; replaces proline 417 with leucine.
Molecular consequence: missense variant. On other transcripts: non-coding transcript variant (1).
Genome position (GRCh38, 1-based): chr6:100,393,807, G>A on the plus strand (C>T on the coding strand, the complement: SIM1 is on the minus strand). VCF-style: chr6-100393807-G-A. GRCh37 (hg19) VCF-style: chr6-100841683-G-A.
Other names: c.1250C>T, p.Pro417Leu (NM_001374769.1); short protein forms P417L.
Identifiers: ClinVar variation 4997161 (VCV004997161.1).

ClinVar aggregate classification (germline): Uncertain significance (1 of 4 stars; one submission).

Conditions:
SIM1-related disorder. Also called: SIM1-related disorders; SIM1-related condition.

Submission:

PreventionGenetics, part of Exact Sciences
Classification: Uncertain significance for SIM1-related condition. Last evaluated: 2025-04-28. Review status: criteria provided, single submitter. Criteria: ACMG Guidelines, 2015. Collection method: clinical testing. Allele origin: germline.
Comment: The SIM1 c.1250C>T variant is predicted to result in the amino acid substitution p.Pro417Leu. To our knowledge, this variant has not been reported in the literature or in a large population database (gnomAD), indicating this variant is rare. At this time, the clinical significance of this variant is uncertain due to the absence of conclusive functional and genetic evidence.